The following is an entry in ClinVar:

ClinVar aggregate classification (germline): Conflicting classifications of pathogenicity. Review status: criteria provided, conflicting classifications (1 of 4 stars). 2 submissions from 2 submitters: Uncertain significance (1); Likely benign (1). Last evaluated 2025-12-25.

Allele frequency attached by ClinVar (database versions not stated): ExAC 0.00001; gnomAD exomes 0.00003; gnomAD 0.00010; TOPMed 0.00016.
gnomAD v4.1: 44 of 1,210,138 alleles (0.0036%); highest among the groups gnomAD compares: African/African-American, 0.035%; no homozygotes.

Submissions (2):

Labcorp Genetics (formerly Invitae), Labcorp
Classification: Uncertain significance. Last evaluated: 2025-12-25. Review status: criteria provided, single submitter. Criteria: Invitae Variant Classification Sherloc (09022015). Collection method: clinical testing. Allele origin: germline.
Comment: This sequence change replaces glutamic acid, which is acidic and polar, with glycine, which is neutral and non-polar, at codon 1056 of the TBC1D8B protein (p.Glu1056Gly). This variant is present in population databases (rs767096796, gnomAD 0.05%). This variant has not been reported in the literature in individuals affected with TBC1D8B-related conditions. ClinVar contains an entry for this variant (Variation ID: 2366439). An algorithm developed to predict the effect of missense changes on protein structure and function outputs the following: PolyPhen-2: "Benign". The glycine amino acid residue is found in multiple mammalian species, which suggests that this missense change does not adversely affect protein function. In summary, the available evidence is currently insufficient to determine the role of this variant in disease. Therefore, it has been classified as a Variant of Uncertain Significance.

Ambry Genetics
Classification: Likely benign. Last evaluated: 2022-09-27. Review status: criteria provided, single submitter. Criteria: Ambry Variant Classification Scheme 2023. Collection method: clinical testing. Allele origin: germline.

NM_017752.3(TBC1D8B):c.3167A>G (p.Glu1056Gly)

Gene: TBC1D8B (TBC1 domain family member 8B; plus strand). Cytogenetic location: Xq22.3.
Variant type: single nucleotide variant.
Coding change: c.3167A>G on transcript NM_017752.3 (MANE Select); coding-DNA position 3167, A replaced by G.
Protein change: p.Glu1056Gly; replaces glutamic acid 1056 with glycine.
Molecular consequence: missense variant.
Genome position (GRCh38, 1-based): chrX:106,873,769, A>G. VCF-style: chrX-106873769-A-G. GRCh37 (hg19) VCF-style: chrX-106116999-A-G.
Other names: short protein forms E1056G.
Identifiers: ClinVar variation 2366439 (VCV002366439.5), dbSNP rs767096796, ClinGen allele CA10483506.